The following is an entry in ClinVar:

ClinVar aggregate classification (germline): Uncertain significance. Review status: criteria provided, multiple submitters, no conflicts (2 of 4 stars). 2 submissions from 2 submitters: Uncertain significance (2). Last evaluated 2026-03-19.

Allele frequency attached by ClinVar (database versions not stated): gnomAD 0.00001; TOPMed 0.00001; gnomAD exomes below 0.00001.
gnomAD v4.1: 4 of 1,611,928 alleles (0.00025%); highest among the groups gnomAD compares: African/African-American, 0.0053%; no homozygotes.

Submissions (2):

GeneDx
Classification: Uncertain significance. Last evaluated: 2026-03-19. Review status: criteria provided, single submitter. Criteria: GeneDx Variant Classification Process June 2021. Collection method: clinical testing. Allele origin: germline.
Comment: Not observed in large population cohorts (gnomAD); In silico analysis suggests that this variant does not alter splicing; Has not been previously published as pathogenic or benign to our knowledge

Greenwood Genetic Center Diagnostic Laboratories, Greenwood Genetic Center
Classification: Uncertain significance. Last evaluated: 2022-09-21. Review status: criteria provided, single submitter. Criteria: ACMG Guidelines, 2015. Collection method: clinical testing. Allele origin: germline. Affected: yes.
Comment: PM2

NM_014991.6(WDFY3):c.2429+5T>G

Genes: WDFY3 (WD repeat and FYVE domain containing 3; minus strand), WDFY3-AS1 (WDFY3 antisense RNA 1; plus strand). Cytogenetic location: 4q21.23.
Variant type: single nucleotide variant.
Coding change: c.2429+5T>G on transcript NM_014991.6 (MANE Select); 5 bases into the intron after coding-DNA position 2429, T replaced by G.
Molecular consequence: intron variant.
Genome position (GRCh38, 1-based): chr4:84,808,329, A>C on the plus strand (T>G on the coding strand, the complement: WDFY3 is on the minus strand). VCF-style: chr4-84808329-A-C. GRCh37 (hg19) VCF-style: chr4-85729482-A-C.
Identifiers: ClinVar variation 1710413 (VCV001710413.4), dbSNP rs973869390, ClinGen allele CA100728265.